The following is an entry in ClinVar:

ClinVar aggregate classification (germline): Uncertain significance (1 of 4 stars; one submission).

Conditions:
Atrioventricular septal defect 4 (AVSD4). Identifiers: MedGen C3280781, MONDO:0013747, OMIM 614430.

gnomAD v4.1: 1 of 1,287,448 alleles (0.000078%); highest among the groups gnomAD compares: Non-Finnish European, 0.000098%; no homozygotes.

Submission:

Labcorp Genetics (formerly Invitae), Labcorp
Classification: Uncertain significance for Atrioventricular septal defect 4. Last evaluated: 2025-01-27. Review status: criteria provided, single submitter. Criteria: Invitae Variant Classification Sherloc (09022015). Collection method: clinical testing. Allele origin: germline.
Comment: This sequence change replaces alanine, which is neutral and non-polar, with valine, which is neutral and non-polar, at codon 120 of the GATA4 protein (p.Ala120Val). This variant is not present in population databases (gnomAD no frequency). This variant has not been reported in the literature in individuals affected with GATA4-related conditions. Invitae Evidence Modeling of protein sequence and biophysical properties (such as structural, functional, and spatial information, amino acid conservation, physicochemical variation, residue mobility, and thermodynamic stability) indicates that this missense variant is not expected to disrupt GATA4 protein function with a negative predictive value of 95%. In summary, the available evidence is currently insufficient to determine the role of this variant in disease. Therefore, it has been classified as a Variant of Uncertain Significance.

NM_001308093.3(GATA4):c.359C>T (p.Ala120Val)

Gene: GATA4 (GATA binding protein 4). Cytogenetic location: 8p23.1.
Variant type: single nucleotide variant.
Coding change: c.359C>T on transcript NM_001308093.3 (MANE Select); coding-DNA position 359, C replaced by T.
Protein change: p.Ala120Val; replaces alanine 120 with valine.
Molecular consequence: missense variant. On other transcripts: intron variant (3).
Genome position (GRCh38, 1-based): chr8:11,708,671, C>T. VCF-style: chr8-11708671-C-T. GRCh37 (hg19) VCF-style: chr8-11566180-C-T.
Other names: c.359C>T, p.Ala120Val (NM_002052.5); c.-6+7893C>T (NM_001308094.2); c.-3+657C>T (NM_001374274.1); c.-3+4367C>T (NM_001374273.1); short protein forms A120V.
Identifiers: ClinVar variation 3666523 (VCV003666523.2).